The following is an entry in ClinVar:

NM_020806.5(GPHN):c.508C>T (p.Arg170Cys)

Gene: GPHN (gephyrin; plus strand). Cytogenetic location: 14q23.3.
Variant type: single nucleotide variant.
Coding change: c.508C>T on transcript NM_020806.5 (MANE Select); coding-DNA position 508, C replaced by T.
Protein change: p.Arg170Cys; replaces arginine 170 with cysteine.
Molecular consequence: missense variant.
Genome position (GRCh38, 1-based): chr14:66,922,717, C>T. VCF-style: chr14-66922717-C-T. GRCh37 (hg19) VCF-style: chr14-67389434-C-T.
Other names: c.508C>T, p.Arg170Cys (NM_001024218.2, NM_001377515.1, NM_001377516.1 and 2 more transcripts); c.547C>T, p.Arg183Cys (NM_001377514.1, NM_001377519.1); short protein forms R170C, R183C.
Identifiers: ClinVar variation 1442390 (VCV001442390.6), dbSNP rs768057286, ClinGen allele CA7233776.

ClinVar aggregate classification (germline): Uncertain significance (1 of 4 stars; one submission).

Conditions:
Sulfite oxidase deficiency due to molybdenum cofactor deficiency type C. Also called: Molybdenum cofactor deficiency C; Molybdenum cofactor deficiency, complementation group C. Identifiers: Orphanet 308400, Orphanet 833, MedGen C1854990, MONDO:0014212, OMIM 615501.

Allele frequency attached by ClinVar (database versions not stated): gnomAD exomes below 0.00001; ExAC 0.00001.
gnomAD v4.1: 1 of 1,613,438 alleles (0.000062%); no homozygotes.

Submission:

Labcorp Genetics (formerly Invitae), Labcorp
Classification: Uncertain significance for Sulfite oxidase deficiency due to molybdenum cofactor deficiency type C. Last evaluated: 2021-11-27. Review status: criteria provided, single submitter. Criteria: Invitae Variant Classification Sherloc (09022015). Collection method: clinical testing. Allele origin: germline.
Comment: In summary, the available evidence is currently insufficient to determine the role of this variant in disease. Therefore, it has been classified as a Variant of Uncertain Significance. Algorithms developed to predict the effect of missense changes on protein structure and function are either unavailable or do not agree on the potential impact of this missense change (SIFT: "Deleterious"; PolyPhen-2: "Probably Damaging"; Align-GVGD: "Class C0"). This variant has not been reported in the literature in individuals affected with GPHN-related conditions. This variant is present in population databases (rs768057286, gnomAD 0.01%). This sequence change replaces arginine, which is basic and polar, with cysteine, which is neutral and slightly polar, at codon 170 of the GPHN protein (p.Arg170Cys).